The following is an entry in ClinVar:

NM_000059.4(BRCA2):c.1454A>G (p.Lys485Arg)

Gene: BRCA2 (BRCA2 DNA repair associated; plus strand). Cytogenetic location: 13q13.1.
Variant type: single nucleotide variant.
Coding change: c.1454A>G on transcript NM_000059.4 (MANE Select); coding-DNA position 1454, A replaced by G.
Protein change: p.Lys485Arg; replaces lysine 485 with arginine.
Molecular consequence: missense variant.
Genome position (GRCh38, 1-based): chr13:32,332,932, A>G. VCF-style: chr13-32332932-A-G. GRCh37 (hg19) VCF-style: chr13-32907069-A-G.
Other names: short protein forms K485R.
Identifiers: ClinVar variation 819256 (VCV000819256.14), dbSNP rs1593892915, ClinGen allele CA387764345.

ClinVar aggregate classification (germline): Conflicting classifications of pathogenicity. Review status: criteria provided, conflicting classifications (1 of 4 stars). 5 submissions from 5 submitters: Uncertain significance (4); Likely benign (1). Last evaluated 2024-10-29.

Conditions:
Hereditary cancer-predisposing syndrome. Also called: Tumor predisposition; Hereditary neoplastic syndrome; Neoplastic Syndromes, Hereditary; Hereditary Cancer Syndrome. Identifiers: Orphanet 140162, MedGen C0027672, MeSH D009386, MONDO:0015356.
Hereditary breast ovarian cancer syndrome. Also called: Hereditary breast and ovarian cancer syndrome (HBOC); Breast and ovarian cancer; BRCA1- and BRCA2-Associated Hereditary Breast and Ovarian Cancer; Hereditary breast and/or ovarian cancer syndrome; Hereditary breast and ovarian cancer syndrome; Hereditary breast and ovarian cancer. Identifiers: Orphanet 145, MedGen C0677776, MeSH D061325, MONDO:0003582. Disease mechanism: loss of function.

Submissions (5):

Color Diagnostics, LLC DBA Color Health
Classification: Uncertain significance for Hereditary cancer-predisposing syndrome. Last evaluated: 2024-10-29. Review status: criteria provided, single submitter. Criteria: ACMG Guidelines, 2015. Collection method: clinical testing. Allele origin: germline.
Comment: This missense variant replaces lysine with arginine at codon 485 of the BRCA2 protein. Computational prediction suggests that this variant may not impact protein structure and function. To our knowledge, functional studies have not been reported for this variant. This variant has been detected in a breast cancer case-control meta-analysis in 1/60466 cases and 0/53461 unaffected individuals (PMID: 33471991; Leiden Open Variation Database DB-ID BRCA2_007826). A multifactorial analysis has reported a likelihood ratio for pathogenicity based on personal and family history of 1.383 from log(LR)=0.140815854 for one carrier (PMID: 31853058). This variant has not been identified in the general population by the Genome Aggregation Database (gnomAD). The available evidence is insufficient to determine the role of this variant in disease conclusively. Therefore, this variant is classified as a Variant of Uncertain Significance.

Labcorp Genetics (formerly Invitae), Labcorp
Classification: Uncertain significance for Hereditary breast ovarian cancer syndrome. Last evaluated: 2023-12-29. Review status: criteria provided, single submitter. Criteria: Invitae Variant Classification Sherloc (09022015). Collection method: clinical testing. Allele origin: germline.
Comment: This sequence change replaces lysine, which is basic and polar, with arginine, which is basic and polar, at codon 485 of the BRCA2 protein (p.Lys485Arg). This variant is not present in population databases (gnomAD no frequency). This variant has not been reported in the literature in individuals affected with BRCA2-related conditions. ClinVar contains an entry for this variant (Variation ID: 819256). Advanced modeling of protein sequence and biophysical properties (such as structural, functional, and spatial information, amino acid conservation, physicochemical variation, residue mobility, and thermodynamic stability) performed at Invitae indicates that this missense variant is not expected to disrupt BRCA2 protein function with a negative predictive value of 95%. In summary, the available evidence is currently insufficient to determine the role of this variant in disease. Therefore, it has been classified as a Variant of Uncertain Significance.

University of Washington Department of Laboratory Medicine, University of Washington
Classification: Likely benign for Hereditary cancer-predisposing syndrome. Last evaluated: 2023-03-23. Review status: criteria provided, single submitter. Criteria: Dines et al. (Genet Med. 2020). Collection method: curation. Allele origin: germline.
Comment: Missense variant in a coldspot region where missense variants are very unlikely to be pathogenic (PMID:31911673).

BRCA2 exon 10 coldspot. Reclassification based on statistical prior probability.

Ambry Genetics
Classification: Uncertain significance for Hereditary cancer-predisposing syndrome. Last evaluated: 2023-03-13. Review status: criteria provided, single submitter. Criteria: Ambry Variant Classification Scheme 2023. Collection method: clinical testing. Allele origin: germline.
Comment: The p.K485R variant (also known as c.1454A>G), located in coding exon 9 of the BRCA2 gene, results from an A to G substitution at nucleotide position 1454. The lysine at codon 485 is replaced by arginine, an amino acid with highly similar properties. This amino acid position is not well conserved in available vertebrate species. In addition, this alteration is predicted to be tolerated by in silico analysis. Since supporting evidence is limited at this time, the clinical significance of this alteration remains unclear.

Women's Health and Genetics/Laboratory Corporation of America, LabCorp
Classification: Uncertain significance. Last evaluated: 2023-01-06. Review status: criteria provided, single submitter. Criteria: LabCorp Variant Classification Summary - May 2015. Collection method: clinical testing. Allele origin: germline.

Literature cited by the submitters: PubMed 31853058 (cited by Color Diagnostics, LLC DBA Color Health); PubMed 33471991 (cited by Color Diagnostics, LLC DBA Color Health).